The following is an entry in ClinVar:

ClinVar aggregate classification (germline): Uncertain significance. Review status: criteria provided, multiple submitters, no conflicts (2 of 4 stars). 4 submissions from 4 submitters: Uncertain significance (4). Last evaluated 2025-12-02.

Conditions:
Junctional epidermolysis bullosa, non-Herlitz type. Also called: EPIDERMOLYSIS BULLOSA, JUNCTIONAL 1A, INTERMEDIATE; EPIDERMOLYSIS BULLOSA JUNCTIONALIS, DISENTIS TYPE; EPIDERMOLYSIS BULLOSA JUNCTIONALIS, NON-HERLITZ TYPE; EPIDERMOLYSIS BULLOSA JUNCTIONALIS, PROGRESSIVE; EPIDERMOLYSIS BULLOSA JUNCTIONALIS, SEVERE NONLETHAL; COL17A1-Related Junctional Epidermolysis Bullosa. Identifiers: Orphanet 251393, Orphanet 79402, Orphanet 79405, Orphanet 89840, MedGen C0268374, MONDO:0009180, OMIM 226650.

Allele frequency attached by ClinVar (database versions not stated): ESP Exome Variant Server 0.00008; 1000 Genomes Project 30x 0.00031; gnomAD exomes 0.00032; ExAC 0.00038; 1000 Genomes Project 0.00040; TOPMed 0.00050; gnomAD 0.00063 and 0.00066.
gnomAD v4.1: 753 of 1,610,150 alleles (0.047%); highest among the groups gnomAD compares: Middle Eastern, 0.25%; no homozygotes.

Submissions (4):

Labcorp Genetics (formerly Invitae), Labcorp
Classification: Uncertain significance. Last evaluated: 2025-12-02. Review status: criteria provided, single submitter. Criteria: Invitae Variant Classification Sherloc (09022015). Collection method: clinical testing. Allele origin: germline.
Comment: This sequence change replaces aspartic acid, which is acidic and polar, with asparagine, which is neutral and polar, at codon 1244 of the COL17A1 protein (p.Asp1244Asn). This variant is present in population databases (rs200313424, gnomAD 0.05%). This variant has not been reported in the literature in individuals affected with COL17A1-related conditions. ClinVar contains an entry for this variant (Variation ID: 877148). Invitae Evidence Modeling of protein sequence and biophysical properties (such as structural, functional, and spatial information, amino acid conservation, physicochemical variation, residue mobility, and thermodynamic stability) has been performed for this missense variant. However, the output from this modeling did not meet the statistical confidence thresholds required to predict the impact of this variant on COL17A1 protein function. In summary, the available evidence is currently insufficient to determine the role of this variant in disease. Therefore, it has been classified as a Variant of Uncertain Significance.

Blueprint Genetics
Classification: Uncertain significance. Last evaluated: 2024-08-19. Review status: criteria provided, single submitter. Criteria: ACMG Guidelines, 2015. Collection method: clinical testing. Allele origin: germline.

Department of Pathology and Laboratory Medicine, Sinai Health System
Classification: Uncertain significance for junctional epidermolysis bullosa, non-Herlitz type. Last evaluated: 2021-09-29. Review status: criteria provided, single submitter. Criteria: ACMG Guidelines, 2015. Collection method: research. Allele origin: germline.

Illumina Laboratory Services, Illumina
Classification: Uncertain significance for Junctional epidermolysis bullosa, non-Herlitz type. Last evaluated: 2018-01-13. Review status: criteria provided, single submitter. Criteria: ICSL Variant Classification Criteria 13 December 2019. Collection method: clinical testing. Allele origin: germline.

NM_000494.4(COL17A1):c.3730G>A (p.Asp1244Asn)

Gene: COL17A1 (collagen type XVII alpha 1 chain; minus strand). Cytogenetic location: 10q25.1.
Variant type: single nucleotide variant.
Coding change: c.3730G>A on transcript NM_000494.4 (MANE Select); coding-DNA position 3730, G replaced by A.
Protein change: p.Asp1244Asn; replaces aspartic acid 1244 with asparagine.
Molecular consequence: missense variant.
Genome position (GRCh38, 1-based): chr10:104,034,657, C>T on the plus strand (G>A on the coding strand, the complement: COL17A1 is on the minus strand). VCF-style: chr10-104034657-C-T. GRCh37 (hg19) VCF-style: chr10-105794415-C-T.
Other names: short protein forms D1244N.
Identifiers: ClinVar variation 877148 (VCV000877148.7), dbSNP rs200313424, ClinGen allele CA5677849.
Genomic context (GRCh38, chr10:104,034,657, plus strand): 5'-GGGCATCACCGTCGGGGCACCTACTTGTGAGGTAGCTGATCAGCTCGCTCCGGAAGCTGT[C>T]GCTGTTTTCAGCTGCATAGGTTGCCAGGGCTCCTGAGACACCCGGGGGCCCTCGAGGCCC-3'
Protein context (NP_000485.3, residues 1234-1254): ALATYAAENS[Asp1244Asn]SFRSELISYL